The following is an entry in ClinVar:

ClinVar aggregate classification (germline): Pathogenic/Likely pathogenic. Review status: criteria provided, multiple submitters, no conflicts (2 of 4 stars). 4 submissions from 4 submitters: Pathogenic (2); Likely pathogenic (1). 1 of the submissions does not count toward it. Last evaluated 2025-03-19.

Conditions:
Cholestasis, progressive familial intrahepatic, 4. Identifiers: Orphanet 480483, Orphanet 79304, MedGen C2931067, MONDO:0014381, OMIM 615878.
Hypercholanemia, familial 1 (FHCA1). Identifiers: Orphanet 238475, MedGen C5542604, MONDO:0031446, OMIM 607748.

Allele frequency attached by ClinVar (database versions not stated): gnomAD exomes below 0.00001; gnomAD 0.00053; TOPMed 0.00067.
gnomAD v4.1: 77 of 1,614,050 alleles (0.0048%); highest among the groups gnomAD compares: African/African-American, 0.0013%; 5 homozygotes.

Submissions (4):

Women's Health and Genetics/Laboratory Corporation of America, LabCorp
Classification: Pathogenic for Cholestasis, progressive familial intrahepatic, 4. Last evaluated: 2025-03-19. Review status: criteria provided, single submitter. Criteria: LabCorp Variant Classification Summary - May 2015. Collection method: clinical testing. Allele origin: germline.
Comment: Variant summary: TJP2 c.143T>C (p.Val48Ala) results in a non-conservative amino acid change in the encoded protein sequence. Four of five in-silico tools predict a damaging effect of the variant on protein function. The variant was absent in 251468 control chromosomes. c.143T>C has been reported in the homozygous state in the literature in multiple related individuals affected with Cholestasis, Progressive Familial Intrahepatic, 4 (example, Carlton_2003, Strauss_2009) and may be an Old Order Amish founder mutation which shows incomplete penetrance. These data indicate that the variant is very likely to be associated with disease. At least one publication reports experimental evidence showing a deleterious impact on purified protein function in vitro (example, Carlton_2003). The following publications have been ascertained in the context of this evaluation (PMID: 12704386, 19630565). ClinVar contains an entry for this variant (Variation ID: 2907). Based on the evidence outlined above, the variant was classified as pathogenic.

GeneDx
Classification: Likely pathogenic. Last evaluated: 2024-03-13. Review status: criteria provided, single submitter. Criteria: GeneDx Variant Classification Process June 2021. Collection method: clinical testing. Allele origin: germline. Affected: yes.
Comment: In silico analysis supports that this missense variant has a deleterious effect on protein structure/function; Published functional studies demonstrate a damaging effect on protein stabilization and reduces ligand binding affinity (PMID: 12704386); Not observed at significant frequency in large population cohorts (gnomAD); This variant is associated with the following publications: (PMID: 20602916, 18706387, 35442562, 12704386, 15937079, 28454995, 31028937)

Mendelics
Classification: Pathogenic for Hypercholanemia, familial 1. Last evaluated: 2022-05-04. Review status: criteria provided, single submitter. Criteria: Mendelics Assertion Criteria 2019. Collection method: clinical testing. Allele origin: germline.

OMIM
Classification: Pathogenic for HYPERCHOLANEMIA, FAMILIAL 1. Last evaluated: 2003-05-01. Review status: no assertion criteria provided. Collection method: literature only. Allele origin: germline. Not counted in ClinVar's aggregate classification.

Literature cited by the submitters: PubMed 19630565 (cited by Women's Health and Genetics/Laboratory Corporation of America, LabCorp); PubMed 12704386 (cited by Women's Health and Genetics/Laboratory Corporation of America, LabCorp and OMIM).

NM_004817.4(TJP2):c.143T>C (p.Val48Ala)

Gene: TJP2 (tight junction protein 2; plus strand). Cytogenetic location: 9q21.11.
Variant type: single nucleotide variant.
Coding change: c.143T>C on transcript NM_004817.4 (MANE Select); coding-DNA position 143, T replaced by C.
Protein change: p.Val48Ala; replaces valine 48 with alanine.
Molecular consequence: missense variant.
Genome position (GRCh38, 1-based): chr9:69,216,367, T>C. VCF-style: chr9-69216367-T-C. GRCh37 (hg19) VCF-style: chr9-71831283-T-C.
Other names: c.143T>C (NM_004817.3); c.143T>C, p.Val48Ala (LRG_1201t1, NM_001369872.1, NM_001369873.1 and 1 more transcripts); c.74T>C, p.Val25Ala (NM_001170414.2, NM_001369870.1, NM_001369871.1); c.155T>C, p.Val52Ala (NM_001170415.1, NM_001369874.1, NM_001369875.1); c.236T>C, p.Val79Ala (NM_001170416.2); short protein forms V48A, V52A, V79A, V25A.
Identifiers: ClinVar variation 2907 (VCV000002907.6), dbSNP rs121918299, ClinGen allele CA115861.